The following is an entry in ClinVar:

ClinVar aggregate classification (germline): Uncertain significance (1 of 4 stars; one submission).

Conditions:
Cardiovascular phenotype. Identifiers: MedGen CN230736.

gnomAD v4.1: 1 of 1,613,910 alleles (0.000062%); highest among the groups gnomAD compares: Non-Finnish European, 0.000085%; no homozygotes.

Submission:

Ambry Genetics
Classification: Uncertain significance for Cardiovascular phenotype. Last evaluated: 2026-03-29. Review status: criteria provided, single submitter. Criteria: Ambry Variant Classification Scheme 2023. Collection method: clinical testing. Allele origin: germline.
Comment: The p.I657T variant (also known as c.1970T>C), located in coding exon 18 of the ANK2 gene, results from a T to C substitution at nucleotide position 1970. The isoleucine at codon 657 is replaced by threonine, an amino acid with similar properties. This amino acid position is conserved. In addition, this alteration is predicted to be tolerated by in silico analysis. Based on the available evidence, the clinical significance of this variant remains unclear.

NM_001148.6(ANK2):c.1970T>C (p.Ile657Thr)

Gene: ANK2 (ankyrin 2; plus strand). Cytogenetic location: 4q26.
Variant type: single nucleotide variant.
Coding change: c.1970T>C on transcript NM_001148.6 (MANE Select); coding-DNA position 1970, T replaced by C.
Protein change: p.Ile657Thr; replaces isoleucine 657 with threonine.
Molecular consequence: missense variant.
Genome position (GRCh38, 1-based): chr4:113,282,763, T>C. VCF-style: chr4-113282763-T-C. GRCh37 (hg19) VCF-style: chr4-114203919-T-C.
Other names: c.1907T>C, p.Ile636Thr (NM_001354252.2, NM_001354254.2, NM_001354255.2 and 10 more transcripts); c.1808T>C, p.Ile603Thr (NM_001354253.2, NM_001354257.2, NM_001354270.2 and 1 more transcripts); c.1970T>C, p.Ile657Thr (NM_001354258.2, NM_020977.5, NM_001354246.2 and 6 more transcripts); c.1784T>C, p.Ile595Thr (NM_001354260.2, NM_001354271.2, NM_001386151.1); c.1928T>C, p.Ile643Thr (NM_001354261.2, NM_001386160.1, NM_001386147.1); c.1772T>C, p.Ile591Thr (NM_001354273.2); c.1883T>C, p.Ile628Thr (NM_001354274.2, NM_001354276.2, NM_001386142.1 and 10 more transcripts); c.1685T>C, p.Ile562Thr (NM_001354277.2, NM_001386157.1); and 8 more; short protein forms I529T, I562T, I587T, I591T, I595T, I603T, I624T, I628T.
Identifiers: ClinVar variation 4858053 (VCV004858053.1).